The following is an entry in ClinVar:

NM_007255.3(B4GALT7):c.910G>C (p.Gly304Arg)

Gene: B4GALT7 (beta-1,4-galactosyltransferase 7; plus strand). Cytogenetic location: 5q35.3.
Variant type: single nucleotide variant.
Coding change: c.910G>C on transcript NM_007255.3 (MANE Select); coding-DNA position 910, G replaced by C.
Protein change: p.Gly304Arg; replaces glycine 304 with arginine.
Molecular consequence: missense variant.
Genome position (GRCh38, 1-based): chr5:177,609,621, G>C. VCF-style: chr5-177609621-G-C. GRCh37 (hg19) VCF-style: chr5-177036622-G-C.
Other names: short protein forms G304R.
Identifiers: ClinVar variation 423723 (VCV000423723.12), dbSNP rs145082497, ClinGen allele CA3586739.

ClinVar aggregate classification (germline): Uncertain significance. Review status: criteria provided, multiple submitters, no conflicts (2 of 4 stars). 4 submissions from 4 submitters: Uncertain significance (4). Last evaluated 2025-10-02.

Conditions:
Spondylodysplastic Ehlers-Danlos syndrome. Identifiers: Orphanet 536471, Orphanet 75496, MedGen C5680154, MONDO:0007526.
Ehlers-Danlos syndrome (EDS). Identifiers: Orphanet 98249, MedGen C0013720, MONDO:0020066.

Allele frequency attached by ClinVar (database versions not stated): TOPMed 0.00002.
gnomAD v4.1: 22 of 1,613,846 alleles (0.0014%); highest among the groups gnomAD compares: Non-Finnish European, 0.0018%; no homozygotes.

Submissions (4):

Women's Health and Genetics/Laboratory Corporation of America, LabCorp
Classification: Uncertain significance. Last evaluated: 2025-10-02. Review status: criteria provided, single submitter. Criteria: LabCorp Variant Classification Summary - May 2015. Collection method: clinical testing. Allele origin: germline.
Comment: Variant summary: B4GALT7 c.910G>C (p.Gly304Arg) results in a non-conservative amino acid change in the encoded protein sequence. Algorithms developed to predict the effect of missense changes on protein structure and function are either unavailable or do not agree on the potential impact of this missense change. The variant allele was found at a frequency of 1.2e-05 in 251208 control chromosomes. The available data on variant occurrences in the general population are insufficient to allow any conclusion about variant significance. To our knowledge, no occurrence of c.910G>C in individuals affected with B4GALT7-related conditions and no experimental evidence demonstrating its impact on protein function have been reported. ClinVar contains an entry for this variant (Variation ID: 423723). Based on the evidence outlined above, the variant was classified as uncertain significance.

Labcorp Genetics (formerly Invitae), Labcorp
Classification: Uncertain significance for Spondylodysplastic Ehlers-Danlos syndrome. Last evaluated: 2023-06-10. Review status: criteria provided, single submitter. Criteria: Invitae Variant Classification Sherloc (09022015). Collection method: clinical testing. Allele origin: germline.
Comment: In summary, the available evidence is currently insufficient to determine the role of this variant in disease. Therefore, it has been classified as a Variant of Uncertain Significance. An algorithm developed to predict the effect of missense changes on protein structure and function (PolyPhen-2) suggests that this variant is likely to be disruptive. ClinVar contains an entry for this variant (Variation ID: 423723). This variant has not been reported in the literature in individuals affected with B4GALT7-related conditions. This variant is present in population databases (rs145082497, gnomAD 0.003%). This sequence change replaces glycine, which is neutral and non-polar, with arginine, which is basic and polar, at codon 304 of the B4GALT7 protein (p.Gly304Arg).

Genome Diagnostics Laboratory, The Hospital for Sick Children
Classification: Uncertain significance for Ehlers-Danlos syndrome. Last evaluated: 2022-05-30. Review status: criteria provided, single submitter. Criteria: ACMG Guidelines, 2015. Collection method: clinical testing. Allele origin: germline.

GeneDx
Classification: Uncertain significance. Last evaluated: 2017-03-06. Review status: criteria provided, single submitter. Criteria: GeneDx Variant Classification (06012015). Collection method: clinical testing. Allele origin: germline. Affected: yes.
Comment: The G304R variant in the B4GALT7 gene has not been reported previously as a pathogenic variant, nor as a benign variant, to our knowledge. The G304R variant is not observed at a significant frequency in large population cohorts (Lek et al., 2016; 1000 Genomes Consortium et al., 2015; Exome Variant Server). The G304R variant is a non-conservative amino acid substitution, which is likely to impact secondary protein structure as these residues differ in polarity, charge, size and/or other properties. This substitution occurs at a position that is conserved across species. In silico analysis predicts this variant is probably damaging to the protein structure/function. We interpret G304R as a variant of uncertain significance.